The following is an entry in ClinVar:

NM_000337.6(SGCD):c.657del (p.Thr220fs)

Gene: SGCD (sarcoglycan delta; plus strand). Cytogenetic location: 5q33.3.
Variant type: Deletion.
Coding change: c.657del on transcript NM_000337.6 (MANE Select); coding-DNA position 657, one base deleted (C; older notation c.657delC).
Protein change: p.Thr220fs; shifts the reading frame from threonine 220.
Molecular consequence: frameshift variant.
Genome position (GRCh38, 1-based): chr5:156,757,662, C deleted; the last of 2 consecutive C bases (chr5:156,757,661-156,757,662); deleting either gives the same sequence. VCF-style (leftmost placement, unchanged base first): chr5-156757660-GC-G. GRCh37 (hg19) VCF-style: chr5-156184671-GC-G.
Other names: c.657delC (NM_000337.5); c.654del, p.Thr219fs (NM_001128209.2); c.657del, p.Thr220fs (NM_172244.3); short protein forms T219fs, T220fs.
Identifiers: ClinVar variation 8171 (VCV000008171.8), dbSNP rs1369919728, ClinGen allele CA806145984.

ClinVar aggregate classification (germline): Pathogenic. Review status: criteria provided, multiple submitters, no conflicts (2 of 4 stars). 4 submissions from 4 submitters: Pathogenic (3). 1 of the submissions does not count toward it. Last evaluated 2025-01-28.

Conditions:
Dilated cardiomyopathy 1L (CMD1L). Identifiers: Orphanet 154, MedGen C1847667, MONDO:0011702, OMIM 606685.
Autosomal recessive limb-girdle muscular dystrophy type 2F (LGMDR6). Also called: MUSCULAR DYSTROPHY, LIMB-GIRDLE, AUTOSOMAL RECESSIVE 6; Muscular dystrophy limb-girdle with delta-sarcoglyan deficiency. Identifiers: Orphanet 219, MedGen C1832525, MONDO:0011028, OMIM 601287. Disease mechanism: Affects gamma-sarcoglycan and also disrupts the integrity of the entire sarcoglycan complex..

Submissions (4):

Dasa
Classification: Pathogenic. Last evaluated: 2025-01-28. Review status: criteria provided, single submitter. Criteria: DASA Assertion Criteria. Collection method: clinical testing. Allele origin: germline.
Comment: NM_000337.6(SGCD):c.657del (p.Thr220Profs*6) introduces a premature termination codon predicted to result in loss of normal protein function. Loss-of-function is an established mechanism of disease for this gene. Segregation evidence has been reported in affected families. This variant has been reported in an affected individual with related phenotype in a genotype context consistent with recessive disease (PMID: 8841194). Multiple computational predictions support a deleterious effect on the gene or gene product. The variant is present at low frequency in population datasets. Based on the available data, this variant is classified as pathogenic.

Baylor Genetics
Classification: Pathogenic for Dilated cardiomyopathy 1L. Last evaluated: 2023-11-09. Review status: criteria provided, single submitter. Criteria: ACMG Guidelines, 2015. Collection method: clinical testing. Allele origin: unknown.

Labcorp Genetics (formerly Invitae), Labcorp
Classification: Pathogenic for Autosomal recessive limb-girdle muscular dystrophy type 2F. Last evaluated: 2022-07-04. Review status: criteria provided, single submitter. Criteria: Invitae Variant Classification Sherloc (09022015). Collection method: clinical testing. Allele origin: germline.
Comment: This premature translational stop signal has been observed in individual(s) with autosomal recessive limb girdle muscular dystrophy (PMID: 8841194). It has also been observed to segregate with disease in related individuals. This variant is not present in population databases (gnomAD no frequency). This sequence change creates a premature translational stop signal (p.Thr220Profs*6) in the SGCD gene. While this is not anticipated to result in nonsense mediated decay, it is expected to disrupt the last 71 amino acid(s) of the SGCD protein. ClinVar contains an entry for this variant (Variation ID: 8171). For these reasons, this variant has been classified as Pathogenic.

OMIM
Classification: Pathogenic for MUSCULAR DYSTROPHY, LIMB-GIRDLE, AUTOSOMAL RECESSIVE 6. Last evaluated: 1996-10-01. Review status: no assertion criteria provided. Collection method: literature only. Allele origin: germline. Not counted in ClinVar's aggregate classification.

Literature cited by the submitters: PubMed 8841194 (cited by 3 submitters).